The following is an entry in ClinVar:

ClinVar aggregate classification (germline): Pathogenic/Likely pathogenic. Review status: criteria provided, multiple submitters, no conflicts (2 of 4 stars). 2 submissions from 2 submitters: Pathogenic (1); Likely pathogenic (1). Last evaluated 2025-02-10.

Conditions:
Developmental and epileptic encephalopathy 99. Identifiers: MedGen C5562018, MONDO:0030473, OMIM 619606.
Dystonia 12 (DYT12). Also called: DYT-ATP1A3; Rapid-Onset Dystonia-Parkinsonism (RDP). Identifiers: Orphanet 71517, MedGen C1868681, MONDO:0007496, OMIM 128235.

Submissions (2):

Labcorp Genetics (formerly Invitae), Labcorp
Classification: Pathogenic for Dystonia 12. Last evaluated: 2025-02-10. Review status: criteria provided, single submitter. Criteria: Invitae Variant Classification Sherloc (09022015). Collection method: clinical testing. Allele origin: germline.
Comment: This variant, c.2755_2757del, results in the deletion of 1 amino acid(s) of the ATP1A3 protein (p.Val919del), but otherwise preserves the integrity of the reading frame. This variant is not present in population databases (gnomAD no frequency). This variant has been observed in individual(s) with alternating hemiplegia of childhood (PMID: 22842232; internal data). In at least one individual the variant was observed to be de novo. Experimental studies and prediction algorithms are not available or were not evaluated, and the functional significance of this variant is currently unknown. For these reasons, this variant has been classified as Pathogenic.

Neuberg Centre For Genomic Medicine, NCGM
Classification: Likely pathogenic for Developmental and epileptic encephalopathy 99. Review status: criteria provided, single submitter. Criteria: ACMG Guidelines, 2015. Collection method: clinical testing. Allele origin: germline. Inheritance: Autosomal dominant inheritance. Affected: yes.
Comment: The observed inframe c.2755_2757del(p.Val919del) variant in ATP1A3 gene has been reported in an individual affected with ATP1A3 related disease (Heinzen EL, et. al., 2012). The p.Val919del variant is absent in gnomAD Exomes. This variant has been submitted to the ClinVar database as Pathogenic. This p.Val919del causes deletion of amino acid Valine at position 919. Additional functional studies are required to prove pathogenicity of the variant. For these reasons, this variant has been classified as Likely Pathogenic.

Literature cited by the submitters: PubMed 22842232 (cited by Labcorp Genetics (formerly Invitae), Labcorp).

NM_152296.5(ATP1A3):c.2752GTC[1] (p.Val919del)

Gene: ATP1A3 (ATPase Na+/K+ transporting subunit alpha 3; minus strand). Cytogenetic location: 19q13.2.
Variant type: Microsatellite.
Coding change: c.2752GTC[1] on transcript NM_152296.5 (MANE Select); one copy of the 3-base unit GTC starting at c.2752; the reference has two copies in a row; one copy, 3 bases deleted; also written c.2755_2757del.
Protein change: p.Val919del; deletes valine 919.
Molecular consequence: inframe deletion.
Genome position (GRCh38, 1-based): chr19:41,968,847-41,968,849, GAC deleted on the plus strand (GTC on the coding strand, the reverse complement: ATP1A3 is on the minus strand); deleting any 3 consecutive bases within chr19:41,968,847-41,968,852 gives the same sequence; the position shown is the placement nearest the transcript's 3' end. VCF-style (leftmost placement, unchanged base first): chr19-41968846-GGAC-G. GRCh37 (hg19) VCF-style: chr19-42472998-GGAC-G.
Other names: c.2755_2757del (NM_152296.5); c.2785GTC[1], p.Val930del (NM_001256213.2); c.2791GTC[1], p.Val932del (NM_001256214.2); short protein forms V919del, V930del, V932del.
Identifiers: ClinVar variation 161147 (VCV000161147.14), dbSNP rs606231443, ClinGen allele CA346035.